The following is an entry in ClinVar:

NM_173543.3(DZIP1L):c.1874G>A (p.Arg625His)

Gene: DZIP1L (DAZ interacting zinc finger protein 1 like; minus strand). Cytogenetic location: 3q22.3.
Variant type: single nucleotide variant.
Coding change: c.1874G>A on transcript NM_173543.3 (MANE Select); coding-DNA position 1874, G replaced by A.
Protein change: p.Arg625His; replaces arginine 625 with histidine.
Molecular consequence: missense variant.
Genome position (GRCh38, 1-based): chr3:138,067,659, C>T on the plus strand (G>A on the coding strand, the complement: DZIP1L is on the minus strand). VCF-style: chr3-138067659-C-T. GRCh37 (hg19) VCF-style: chr3-137786501-C-T.
Other names: short protein forms R625H.
Identifiers: ClinVar variation 2165493 (VCV002165493.2), dbSNP rs377337730, ClinGen allele CA2634738.

ClinVar aggregate classification (germline): Uncertain significance (1 of 4 stars; one submission).

Allele frequency attached by ClinVar (database versions not stated): ExAC 0.00015; ESP Exome Variant Server 0.00015; TOPMed 0.00029; gnomAD 0.00035.
gnomAD v4.1: 478 of 1,607,460 alleles (0.03%); highest among the groups gnomAD compares: Admixed American, 0.11%; no homozygotes.

Submission:

Labcorp Genetics (formerly Invitae), Labcorp
Classification: Uncertain significance. Last evaluated: 2025-06-12. Review status: criteria provided, single submitter. Criteria: Invitae Variant Classification Sherloc (09022015). Collection method: clinical testing. Allele origin: germline.
Comment: This sequence change replaces arginine, which is basic and polar, with histidine, which is basic and polar, at codon 625 of the DZIP1L protein (p.Arg625His). This variant is present in population databases (rs377337730, gnomAD 0.06%). This variant has not been reported in the literature in individuals affected with DZIP1L-related conditions. ClinVar contains an entry for this variant (Variation ID: 2165493). An algorithm developed to predict the effect of missense changes on protein structure and function (PolyPhen-2) suggests that this variant is likely to be tolerated. In summary, the available evidence is currently insufficient to determine the role of this variant in disease. Therefore, it has been classified as a Variant of Uncertain Significance.